The following is an entry in ClinVar:

ClinVar aggregate classification (germline): Conflicting classifications of pathogenicity. Review status: criteria provided, conflicting classifications (1 of 4 stars). 10 submissions from 10 submitters: Uncertain significance (4); Benign (1); Likely benign (5). Last evaluated 2026-01-17.

Conditions:
Developmental and epileptic encephalopathy, 52 (DEE52). Also called: Epileptic encephalopathy, early infantile, 52. Identifiers: MedGen C4479236, MONDO:0033361, OMIM 617350.
Cardiovascular phenotype. Identifiers: MedGen CN230736.
Brugada syndrome 5 (BRGDA5). Identifiers: Orphanet 130, Orphanet 871, MedGen C2748541, MONDO:0013015, OMIM 612838.

Allele frequency attached by ClinVar (database versions not stated): gnomAD 0.00021 and 0.00024; 1000 Genomes Project 30x 0.00031; TOPMed 0.00036; 1000 Genomes Project 0.00040; gnomAD exomes 0.00026 and 0.00041; ExAC 0.00049; ESP Exome Variant Server 0.00031.

Submissions (10):

Labcorp Genetics (formerly Invitae), Labcorp
Classification: Likely benign for Brugada syndrome 5. Last evaluated: 2026-01-17. Review status: criteria provided, single submitter. Criteria: Invitae Variant Classification Sherloc (09022015). Collection method: clinical testing. Allele origin: germline.

CeGaT Center for Human Genetics Tuebingen
Classification: Likely benign. Last evaluated: 2024-12-01. Review status: criteria provided, single submitter. Criteria: CeGaT Center For Human Genetics Tuebingen Variant Classification Criteria Version 2. Collection method: clinical testing. Allele origin: germline. Affected: yes. Observed: 5 variant alleles.
Comment: SCN1B: PP3, BP5, BS2

Blueprint Genetics
Classification: Likely benign. Last evaluated: 2024-11-21. Review status: criteria provided, single submitter. Criteria: ACMG Guidelines, 2015. Collection method: clinical testing. Allele origin: germline.

Genomic Medicine Center of Excellence, King Faisal Specialist Hospital and Research Centre
Classification: Uncertain significance for Developmental and epileptic encephalopathy, 52. Last evaluated: 2024-03-26. Review status: criteria provided, single submitter. Criteria: ACMG Guidelines, 2015. Collection method: clinical testing. Allele origin: germline.

Ambry Genetics
Classification: Likely benign for Cardiovascular phenotype. Last evaluated: 2022-08-29. Review status: criteria provided, single submitter. Criteria: Ambry Variant Classification Scheme 2023. Collection method: clinical testing. Allele origin: germline.

GeneDx
Classification: Benign. Last evaluated: 2020-12-18. Review status: criteria provided, single submitter. Criteria: GeneDx Variant Classification Process June 2021. Collection method: clinical testing. Allele origin: germline. Affected: yes.
Comment: This variant is associated with the following publications: (PMID: 19522081, 31865891, 27207958, 25253298, 30821013)

Mayo Clinic Laboratories, Mayo Clinic
Classification: Uncertain significance. Last evaluated: 2019-07-14. Review status: criteria provided, single submitter. Criteria: ACMG Guidelines, 2015. Collection method: clinical testing. Allele origin: germline. Observed: 1 variant allele.

ARUP Laboratories, Molecular Genetics and Genomics, ARUP Laboratories
Classification: Uncertain significance. Last evaluated: 2018-02-27. Review status: criteria provided, single submitter. Criteria: ARUP Molecular Germline Variant Investigation Process. Collection method: clinical testing. Allele origin: germline.
Comment: The SCN1B c.632G>A; p.Cys211Tyr variant (rs150721582) has been reported in individuals diagnosed with Brugada syndrome, pediatric idiopathic epilepsy, and congenital atrioventricular block (Orrico 2009, Ricci 2014, Syam 2016), but was also detected in healthy control individuals (Orrico 2009). This variant is listed in the genome Aggregation Database (gnomAD) with an overall population frequency of 0.04% (identified on 107 out of 277,166 chromosomes). The cysteine at position 211 is highly conserved, considering 12 species, and computational analyses of the effects of the p.Cys211Tyr variant on protein structure and function predict a deleterious effect (SIFT: damaging, PolyPhen-2: probably damaging). Based on the available information, the clinical significance of the p.Cys211Tyr variant cannot be determined with certainty.

Athena Diagnostics
Classification: Likely benign. Last evaluated: 2017-09-20. Review status: criteria provided, single submitter. Criteria: Athena Diagnostics Criteria. Collection method: clinical testing. Allele origin: germline.

Eurofins Ntd Llc (ga)
Classification: Uncertain significance. Last evaluated: 2016-05-11. Review status: criteria provided, single submitter. Criteria: EGL Classification Definitions 2015. Collection method: clinical testing. Allele origin: germline. Observed: 1 variant allele, 1 heterozygote.

Literature cited by the submitters: PubMed 25253298 (cited by Athena Diagnostics); PubMed 27207958 (cited by Athena Diagnostics); PubMed 19522081 (cited by Athena Diagnostics).

NM_001037.5(SCN1B):c.632G>A (p.Cys211Tyr)

Gene: SCN1B (sodium voltage-gated channel beta subunit 1; plus strand). Cytogenetic location: 19q13.11.
Variant type: single nucleotide variant.
Coding change: c.632G>A on transcript NM_001037.5 (MANE Select); coding-DNA position 632, G replaced by A.
Protein change: p.Cys211Tyr; replaces cysteine 211 with tyrosine.
Molecular consequence: missense variant.
Genome position (GRCh38, 1-based): chr19:35,039,676, G>A. VCF-style: chr19-35039676-G-A. GRCh37 (hg19) VCF-style: chr19-35530580-G-A.
Other names: p.C211Y:TGC>TAC; c.533G>A, p.Cys178Tyr (NM_001321605.2); short protein forms C211Y, C178Y.
Identifiers: ClinVar variation 190877 (VCV000190877.96), dbSNP rs150721582, ClinGen allele CA302186.